The following is an entry in ClinVar:

NM_004974.4(KCNA2):c.844C>T (p.Gln282Ter)

Gene: KCNA2 (potassium voltage-gated channel subfamily A member 2; minus strand). Cytogenetic location: 1p13.3.
Variant type: single nucleotide variant.
Coding change: c.844C>T on transcript NM_004974.4 (MANE Select); coding-DNA position 844, C replaced by T.
Protein change: p.Gln282Ter; replaces glutamine 282 with a stop codon.
Molecular consequence: nonsense.
Genome position (GRCh38, 1-based): chr1:110,603,939, G>A on the plus strand (C>T on the coding strand, the complement: KCNA2 is on the minus strand). VCF-style: chr1-110603939-G-A. GRCh37 (hg19) VCF-style: chr1-111146561-G-A.
Other names: c.844C>T, p.Gln282Ter (NM_001204269.2); short protein forms Q282*.
Identifiers: ClinVar variation 656486 (VCV000656486.9), dbSNP rs1570753182, ClinGen allele CA341603067.

ClinVar aggregate classification (germline): Uncertain significance (1 of 4 stars; one submission).

Conditions:
Developmental and epileptic encephalopathy, 32 (DEE32). Also called: Epileptic encephalopathy, early infantile, 32. Identifiers: Orphanet 442835, MedGen C4225350, MONDO:0014607, OMIM 616366.

Submission:

Labcorp Genetics (formerly Invitae), Labcorp
Classification: Uncertain significance for Developmental and epileptic encephalopathy, 32. Last evaluated: 2018-09-29. Review status: criteria provided, single submitter. Criteria: Invitae Variant Classification Sherloc (09022015). Collection method: clinical testing. Allele origin: germline.
Comment: This variant has not been reported in the literature in individuals with KCNA2-related disease. This variant is not present in population databases (ExAC no frequency). This sequence change results in a premature translational stop signal in the KCNA2 gene (p.Gln282*). While this is not anticipated to result in nonsense mediated decay, it is expected to disrupt the last 217 amino acids of the KCNA2 protein. Experimental studies and prediction algorithms are not available for this variant, and the functional significance of the affected amino acids is currently unknown. In summary, the available evidence is currently insufficient to determine the role of this variant in disease. Therefore, it has been classified as a Variant of Uncertain Significance.